The following is an entry in ClinVar:

ClinVar aggregate classification (germline): Uncertain significance. Review status: criteria provided, multiple submitters, no conflicts (2 of 4 stars). 2 submissions from 2 submitters: Uncertain significance (2). Last evaluated 2024-10-21.

Allele frequency attached by ClinVar (database versions not stated): gnomAD exomes below 0.00001; ExAC 0.00002; TOPMed 0.00002; gnomAD 0.00004.
gnomAD v4.1: 11 of 1,612,184 alleles (0.00068%); highest among the groups gnomAD compares: African/African-American, 0.012%; no homozygotes.

Submissions (2):

Ambry Genetics
Classification: Uncertain significance. Last evaluated: 2024-10-21. Review status: criteria provided, single submitter. Criteria: Ambry Variant Classification Scheme 2023. Collection method: clinical testing. Allele origin: germline.

Labcorp Genetics (formerly Invitae), Labcorp
Classification: Uncertain significance. Last evaluated: 2022-07-03. Review status: criteria provided, single submitter. Criteria: Invitae Variant Classification Sherloc (09022015). Collection method: clinical testing. Allele origin: germline.
Comment: In summary, the available evidence is currently insufficient to determine the role of this variant in disease. Therefore, it has been classified as a Variant of Uncertain Significance. Algorithms developed to predict the effect of missense changes on protein structure and function are either unavailable or do not agree on the potential impact of this missense change (SIFT: "Tolerated"; PolyPhen-2: "Probably Damaging"; Align-GVGD: "Class C0"). This variant has not been reported in the literature in individuals affected with HMCN1-related conditions. This variant is present in population databases (rs751323500, gnomAD 0.02%). This sequence change replaces histidine, which is basic and polar, with tyrosine, which is neutral and polar, at codon 2381 of the HMCN1 protein (p.His2381Tyr).

NM_031935.3(HMCN1):c.7141C>T (p.His2381Tyr)

Gene: HMCN1 (hemicentin 1; plus strand). Cytogenetic location: 1q31.1.
Variant type: single nucleotide variant.
Coding change: c.7141C>T on transcript NM_031935.3 (MANE Select); coding-DNA position 7141, C replaced by T.
Protein change: p.His2381Tyr; replaces histidine 2381 with tyrosine.
Molecular consequence: missense variant.
Genome position (GRCh38, 1-based): chr1:186,055,671, C>T. VCF-style: chr1-186055671-C-T. GRCh37 (hg19) VCF-style: chr1-186024803-C-T.
Other names: c.7141C>T (NM_031935.2); short protein forms H2381Y.
Identifiers: ClinVar variation 1904090 (VCV001904090.6), dbSNP rs751323500, ClinGen allele CA1292740.
Genomic context (GRCh38, chr1:186,055,671, plus strand): 5'-TATGTGTGTGTTGCTGTGAATGTAGCAGGAATGACTGACAAAAAATATGACTTAAGTGTC[C>T]ATGGTAAGTAGAAAGAGGCTCAATATGTCCATTCACTGGCTAACGTAATCTAGCATCCTG-3'
Protein context (NP_114141.2, residues 2371-2391): MTDKKYDLSV[His2381Tyr]APPSIIGNHR